The following is an entry in ClinVar:

NM_000553.6(WRN):c.1534G>A (p.Asp512Asn)

Gene: WRN (WRN RecQ like helicase; plus strand). Cytogenetic location: 8p12.
Variant type: single nucleotide variant.
Coding change: c.1534G>A on transcript NM_000553.6 (MANE Select); coding-DNA position 1534, G replaced by A.
Protein change: p.Asp512Asn; replaces aspartic acid 512 with asparagine.
Molecular consequence: missense variant.
Genome position (GRCh38, 1-based): chr8:31,087,878, G>A. VCF-style: chr8-31087878-G-A. GRCh37 (hg19) VCF-style: chr8-30945394-G-A.
Other names: short protein forms D512N.
Identifiers: ClinVar variation 951883 (VCV000951883.7), dbSNP rs1232681316, ClinGen allele CA370924667.
Genomic context (GRCh38, chr8:31,087,878, plus strand): 5'-TCTAAATGCTTAAAAATGGAAAGAAATCTGGGTCTTCCTACTAAAGAAGAAGAAGAAGAT[G>A]ATGAAAATGAAGCTAATGAAGGGGAAGAAGATGATGATAAGGGTAAGCACTGAAGTATGT-3'
Protein context (NP_000544.2, residues 502-522): GLPTKEEEED[Asp512Asn]ENEANEGEED

ClinVar aggregate classification (germline): Uncertain significance. Review status: criteria provided, multiple submitters, no conflicts (2 of 4 stars). 2 submissions from 2 submitters: Uncertain significance (2). Last evaluated 2025-09-15.

Conditions:
Inborn genetic diseases. Identifiers: MedGen C0950123, MeSH D030342.
Werner syndrome (WRN). Identifiers: Orphanet 902, MedGen C0043119, MONDO:0010196, OMIM 277700.

Allele frequency attached by ClinVar (database versions not stated): gnomAD 0.00001.
gnomAD v4.1: 4 of 1,613,510 alleles (0.00025%); highest among the groups gnomAD compares: Non-Finnish European, 0.00034%; no homozygotes.

Submissions (2):

Labcorp Genetics (formerly Invitae), Labcorp
Classification: Uncertain significance for Werner syndrome. Last evaluated: 2025-09-15. Review status: criteria provided, single submitter. Criteria: Invitae Variant Classification Sherloc (09022015). Collection method: clinical testing. Allele origin: germline.
Comment: This sequence change replaces aspartic acid, which is acidic and polar, with asparagine, which is neutral and polar, at codon 512 of the WRN protein (p.Asp512Asn). This variant is present in population databases (no rsID available, gnomAD 0.007%). This variant has not been reported in the literature in individuals affected with WRN-related conditions. ClinVar contains an entry for this variant (Variation ID: 951883). An algorithm developed to predict the effect of missense changes on protein structure and function (PolyPhen-2) suggests that this variant is likely to be disruptive. In summary, the available evidence is currently insufficient to determine the role of this variant in disease. Therefore, it has been classified as a Variant of Uncertain Significance.

Ambry Genetics
Classification: Uncertain significance for Inborn genetic diseases. Last evaluated: 2023-04-12. Review status: criteria provided, single submitter. Criteria: Ambry Variant Classification Scheme 2023. Collection method: clinical testing. Allele origin: germline.